The following is an entry in ClinVar:

ClinVar aggregate classification (germline): Uncertain significance. Review status: criteria provided, single submitter (1 of 4 stars). 2 submissions from 2 submitters: Uncertain significance (1). 1 of the submissions does not count toward it. Last evaluated 2024-08-20.

Conditions:
Lysinuric protein intolerance (LPI). Identifiers: Orphanet 470, MedGen C0268647, MONDO:0009109, OMIM 222700.

Allele frequency attached by ClinVar (database versions not stated): gnomAD exomes 0.00001; ExAC 0.00002.
gnomAD v4.1: 15 of 1,613,892 alleles (0.00093%); highest among the groups gnomAD compares: Non-Finnish European, 0.0012%; no homozygotes.

Submissions (2):

Women's Health and Genetics/Laboratory Corporation of America, LabCorp
Classification: Uncertain significance. Last evaluated: 2024-08-20. Review status: criteria provided, single submitter. Criteria: LabCorp Variant Classification Summary - May 2015. Collection method: clinical testing. Allele origin: germline.
Comment: Variant summary: SLC7A7 c.418G>C (p.Ala140Pro) results in a non-conservative amino acid change in the encoded protein sequence. Five of five in-silico tools predict a damaging effect of the variant on protein function. The variant allele was found at a frequency of 1.2e-05 in 249268 control chromosomes. The available data on variant occurrences in the general population are insufficient to allow any conclusion about variant significance. c.418G>C has been reported in the literature in at-least one individual affected with Lysinuric Protein Intolerance (example: Sperandeo_2008). These data do not allow any conclusion about variant significance. To our knowledge, no experimental evidence demonstrating an impact on protein function has been reported. The following publication has been ascertained in the context of this evaluation (PMID: 17764084). ClinVar contains an entry for this variant (Variation ID: 56367). Based on the evidence outlined above, the variant was classified as uncertain significance.

Juha Muilu Group; Institute for Molecular Medicine Finland (FIMM)
Classification: Likely pathogenic for Lysinuric protein intolerance. Review status: no assertion criteria provided. Collection method: not provided. Allele origin: unknown. Not counted in ClinVar's aggregate classification.
Comment: FinDis database variant: This variant was not found or characterized by our laboratory, data were collected from public sources: see reference
ClinVar note: Converted during submission from probable-pathogenic to Likely pathogenic.

Literature cited by the submitters: PubMed 17764084 (cited by Women's Health and Genetics/Laboratory Corporation of America, LabCorp).

NM_003982.4(SLC7A7):c.418G>C (p.Ala140Pro)

Gene: SLC7A7 (solute carrier family 7 member 7; minus strand). Cytogenetic location: 14q11.2.
Variant type: single nucleotide variant.
Coding change: c.418G>C on transcript NM_003982.4 (MANE Select); coding-DNA position 418, G replaced by C.
Protein change: p.Ala140Pro; replaces alanine 140 with proline.
Molecular consequence: missense variant.
Genome position (GRCh38, 1-based): chr14:22,812,981, C>G on the plus strand (G>C on the coding strand, the complement: SLC7A7 is on the minus strand). VCF-style: chr14-22812981-C-G. GRCh37 (hg19) VCF-style: chr14-23282190-C-G.
Other names: c.418G>C, p.Ala140Pro (NM_001126105.3, NM_001126106.4); short protein forms A140P.
Identifiers: ClinVar variation 56367 (VCV000056367.3), dbSNP rs386833815, ClinGen allele CA263815.